The following is an entry in ClinVar:

NM_178822.5(IGSF10):c.1188A>C (p.Glu396Asp)

Gene: IGSF10 (immunoglobulin superfamily member 10; minus strand). Cytogenetic location: 3q25.1.
Variant type: single nucleotide variant.
Coding change: c.1188A>C on transcript NM_178822.5 (MANE Select); coding-DNA position 1188, A replaced by C.
Protein change: p.Glu396Asp; replaces glutamic acid 396 with aspartic acid.
Molecular consequence: missense variant.
Genome position (GRCh38, 1-based): chr3:151,448,793, T>G on the plus strand (A>C on the coding strand, the complement: IGSF10 is on the minus strand). VCF-style: chr3-151448793-T-G. GRCh37 (hg19) VCF-style: chr3-151166581-T-G.
Other names: c.1188A>C, p.Glu396Asp (NM_001385060.1, NM_001385061.1, NM_001385062.1 and 1 more transcripts); short protein forms E396D.
Identifiers: ClinVar variation 4806384 (VCV004806384.1).

ClinVar aggregate classification (germline): Uncertain significance (1 of 4 stars; one submission).

gnomAD v4.1: 74 of 1,613,514 alleles (0.0046%); highest among the groups gnomAD compares: Middle Eastern, 0.049%; no homozygotes.

Submission:

Labcorp Genetics (formerly Invitae), Labcorp
Classification: Uncertain significance. Last evaluated: 2025-12-08. Review status: criteria provided, single submitter. Criteria: Invitae Variant Classification Sherloc (09022015). Collection method: clinical testing. Allele origin: germline.
Comment: This sequence change replaces glutamic acid, which is acidic and polar, with aspartic acid, which is acidic and polar, at codon 396 of the IGSF10 protein (p.Glu396Asp). This variant is present in population databases (rs768345493, gnomAD 0.01%). This variant has not been reported in the literature in individuals affected with IGSF10-related conditions. An algorithm developed to predict the effect of missense changes on protein structure and function (PolyPhen-2) suggests that this variant is likely to be disruptive. In summary, the available evidence is currently insufficient to determine the role of this variant in disease. Therefore, it has been classified as a Variant of Uncertain Significance.